The following is an entry in ClinVar:

ClinVar aggregate classification (germline): Uncertain significance (1 of 4 stars; one submission).

Conditions:
Cardiovascular phenotype. Identifiers: MedGen CN230736.

Submission:

Ambry Genetics
Classification: Uncertain significance for Cardiovascular phenotype. Last evaluated: 2025-09-11. Review status: criteria provided, single submitter. Criteria: Ambry Variant Classification Scheme 2023. Collection method: clinical testing. Allele origin: germline.
Comment: The p.S321L variant (also known as c.962C>T), located in coding exon 9 of the PTPN11 gene, results from a C to T substitution at nucleotide position 962. The serine at codon 321 is replaced by leucine, an amino acid with dissimilar properties. This amino acid position is conserved. In addition, the in silico prediction for this alteration is inconclusive. Based on the available evidence, the clinical significance of this variant remains unclear.

NM_002834.5(PTPN11):c.962C>T (p.Ser321Leu)

Gene: PTPN11 (protein tyrosine phosphatase non-receptor type 11; plus strand). Cytogenetic location: 12q24.13.
Variant type: single nucleotide variant.
Coding change: c.962C>T on transcript NM_002834.5 (MANE Select); coding-DNA position 962, C replaced by T.
Protein change: p.Ser321Leu; replaces serine 321 with leucine.
Molecular consequence: missense variant.
Genome position (GRCh38, 1-based): chr12:112,477,885, C>T. VCF-style: chr12-112477885-C-T. GRCh37 (hg19) VCF-style: chr12-112915689-C-T.
Other names: c.962C>T, p.Ser321Leu (NM_001330437.2, NM_080601.3); c.959C>T, p.Ser320Leu (NM_001374625.1); short protein forms S321L, S320L.
Identifiers: ClinVar variation 4147385 (VCV004147385.1).